The following is an entry in ClinVar:

ClinVar aggregate classification (germline): Uncertain significance (1 of 4 stars; one submission).

Conditions:
Episodic ataxia type 2 (EA2). Also called: ATAXIA, EPISODIC, WITH NYSTAGMUS; ATAXIA, FAMILIAL PAROXYSMAL; CEREBELLAR ATAXIA, PAROXYSMAL, ACETAZOLAMIDE-RESPONSIVE; CEREBELLOPATHY, HEREDITARY PAROXYSMAL; ACETAZOLAMIDE-RESPONSIVE HEREDITARY PAROXYSMAL CEREBELLAR ATAXIA; EPISODIC ATAXIA, NYSTAGMUS-ASSOCIATED. Identifiers: Orphanet 97, MedGen C1720416, MONDO:0007163, OMIM 108500.
Developmental and epileptic encephalopathy, 42 (DEE42A). Also called: Epileptic encephalopathy, early infantile, 42; DEVELOPMENTAL AND EPILEPTIC ENCEPHALOPATHY 42A; EPILEPTIC ENCEPHALOPATHY, EARLY INFANTILE, 42A. Identifiers: MedGen C4310716, MONDO:0014917, OMIM 617106.

Submission:

Labcorp Genetics (formerly Invitae), Labcorp
Classification: Uncertain significance for Developmental and epileptic encephalopathy, 42; Episodic ataxia type 2. Last evaluated: 2022-01-26. Review status: criteria provided, single submitter. Criteria: Invitae Variant Classification Sherloc (09022015). Collection method: clinical testing. Allele origin: germline.
Comment: In summary, the available evidence is currently insufficient to determine the role of this variant in disease. Therefore, it has been classified as a Variant of Uncertain Significance. Advanced modeling of protein sequence and biophysical properties (such as structural, functional, and spatial information, amino acid conservation, physicochemical variation, residue mobility, and thermodynamic stability) performed at Invitae indicates that this missense variant is not expected to disrupt CACNA1A protein function. This variant has not been reported in the literature in individuals affected with CACNA1A-related conditions. This variant is not present in population databases (gnomAD no frequency). This sequence change replaces histidine, which is basic and polar, with arginine, which is basic and polar, at codon 2259 of the CACNA1A protein (p.His2259Arg).

NM_001127222.2(CACNA1A):c.6773A>G (p.His2258Arg)

Genes: CACNA1A (calcium voltage-gated channel subunit alpha1 A; minus strand), LOC130063717 (ATAC-STARR-seq lymphoblastoid silent region 10203; plus strand). Cytogenetic location: 19p13.13.
Variant type: single nucleotide variant.
Coding change: c.6773A>G on transcript NM_001127222.2 (MANE Select); coding-DNA position 6773, A replaced by G.
Protein change: p.His2258Arg; replaces histidine 2258 with arginine.
Molecular consequence: missense variant.
Genome position (GRCh38, 1-based): chr19:13,208,763, T>C on the plus strand (A>G on the coding strand, the complement: CACNA1A is on the minus strand). VCF-style: chr19-13208763-T-C. GRCh37 (hg19) VCF-style: chr19-13319577-T-C.
Other names: c.6791A>G, p.His2264Arg (NM_000068.4, NM_023035.3); c.6776A>G, p.His2259Arg (NM_001127221.2); c.6782A>G, p.His2261Arg (NM_001174080.2); short protein forms H2261R, H2258R, H2259R, H2264R.
Identifiers: ClinVar variation 2041724 (VCV002041724.4), dbSNP rs2512515103, ClinGen allele CA404329350.